The following is an entry in ClinVar:

NM_006361.6(HOXB13):c.617dup (p.His206fs)

Gene: HOXB13 (homeobox B13; minus strand). Cytogenetic location: 17q21.32.
Variant type: Duplication.
Coding change: c.617dup on transcript NM_006361.6 (MANE Select); coding-DNA position 617, one base duplicated (A; older notation c.617dupA).
Protein change: p.His206fs; shifts the reading frame from histidine 206.
Molecular consequence: frameshift variant.
Genome position (GRCh38, 1-based): chr17:48,727,028, T duplicated on the plus strand (A on the coding strand, the reverse complement: HOXB13 is on the minus strand). VCF-style (leftmost placement, unchanged base first): chr17-48727027-G-GT. GRCh37 (hg19) VCF-style: chr17-46804389-G-GT.
Other names: short protein forms H206fs.
Identifiers: ClinVar variation 1059148 (VCV001059148.7), dbSNP rs2143067879, ClinGen allele CA2499224682.
Genomic context (GRCh38, chr17:48,727,027, plus strand): 5'-CCCCTTGCTGTACGGAATGCGTTTCTTGCGGCCGCGACGAAAGGCGCAGGCGTCAGGAGG[G>GT]TGCTGCCCGCTGGAGTCTGCGCGGCGTGAAAGGGAGGGAGGAAAAGGCATGGTCAGATAC-3'

ClinVar aggregate classification (germline): Uncertain significance (1 of 4 stars; one submission).

Submission:

Labcorp Genetics (formerly Invitae), Labcorp
Classification: Uncertain significance. Last evaluated: 2020-10-23. Review status: criteria provided, single submitter. Criteria: Invitae Variant Classification Sherloc (09022015). Collection method: clinical testing. Allele origin: germline.
Comment: This sequence change creates a premature translational stop signal (p.His206Glnfs*4) in the HOXB13 gene. While this is not anticipated to result in nonsense mediated decay, it is expected to disrupt the last 79 amino acid(s) of the HOXB13 protein. This variant is not present in population databases (ExAC no frequency). This variant has not been reported in the literature in individuals with HOXB13-related conditions. Experimental studies and prediction algorithms are not available or were not evaluated, and the functional significance of this variant is currently unknown. In summary, the available evidence is currently insufficient to determine the role of this variant in disease. Therefore, it has been classified as a Variant of Uncertain Significance.